The following is an entry in ClinVar:

NM_000038.6(APC):c.5863del (p.Ala1955fs)

Gene: APC (APC regulator of Wnt signaling pathway; plus strand). Cytogenetic location: 5q22.2.
Variant type: Deletion.
Coding change: c.5863del on transcript NM_000038.6 (MANE Select); coding-DNA position 5863, one base deleted (G; older notation c.5863delG).
Protein change: p.Ala1955fs; shifts the reading frame from alanine 1955.
Molecular consequence: frameshift variant. On other transcripts: non-coding transcript variant (2).
Genome position (GRCh38, 1-based): chr5:112,841,457, G deleted. VCF-style (leftmost placement, unchanged base first): chr5-112841456-TG-T. GRCh37 (hg19) VCF-style: chr5-112177153-TG-T.
Other names: c.5863del, p.Ala1955fs (NM_001127510.3, NM_001354895.2, NM_001407450.1); c.5809del, p.Ala1937fs (NM_001127511.3); c.5917del, p.Ala1973fs (NM_001354896.2, NM_001407447.1, NM_001407448.1 and 1 more transcripts); c.5893del, p.Ala1965fs (NM_001354897.2); c.5788del, p.Ala1930fs (NM_001354898.2); c.5779del, p.Ala1927fs (NM_001354899.2); c.5740del, p.Ala1914fs (NM_001354900.2); c.5686del, p.Ala1896fs (NM_001354901.2, NM_001407453.1); and 12 more; short protein forms A1571fs, A1672fs, A1795fs, A1826fs, A1829fs, A1854fs, A1864fs, A1872fs.
Identifiers: ClinVar variation 3375235 (VCV003375235.1).

ClinVar aggregate classification (germline): Pathogenic (1 of 4 stars; one submission).

Conditions:
Familial multiple polyposis syndrome (FAP). Also called: Familial Adenomatous Polyposis (FAP); Familial adenomatous polyposis; Familial intestinal polyposis; Classic familial adenomatous polyposis; Familial polyposis. Identifiers: Orphanet 733, MedGen C0032580, MONDO:0021055. Disease mechanism: loss of function.

Submission:

Women's Health and Genetics/Laboratory Corporation of America, LabCorp
Classification: Pathogenic for Familial multiple polyposis syndrome. Last evaluated: 2024-09-24. Review status: criteria provided, single submitter. Criteria: LabCorp Variant Classification Summary - May 2015. Collection method: clinical testing. Allele origin: germline.
Comment: Variant summary: APC c.5863delG (p.Ala1955LeufsX15) results in a premature termination codon, predicted to cause a truncation of the encoded protein, which is a commonly known mechanism for disease. While this variant is not expected to result in nonsense mediated decay, it is predicted to disrupt the last 889 amino acids of the protein. Truncating variant(s) downstream of this position have been classified as pathogenic by our lab. The variant was absent in 250816 control chromosomes. To our knowledge, no occurrence of c.5863delG in individuals affected with Familial Adenomatous Polyposis and no experimental evidence demonstrating its impact on protein function have been reported. No submitters have cited clinical-significance assessments for this variant to ClinVar. Based on the evidence outlined above, the variant was classified as pathogenic.